The following is an entry in ClinVar:

NM_005629.4(SLC6A8):c.658A>C (p.Arg220=)

Gene: SLC6A8 (solute carrier family 6 member 8; plus strand). Cytogenetic location: Xq28.
Variant type: single nucleotide variant.
Coding change: c.658A>C on transcript NM_005629.4 (MANE Select); coding-DNA position 658, A replaced by C.
Protein change: p.Arg220=; no amino-acid change (arginine 220 retained).
Molecular consequence: synonymous variant.
Genome position (GRCh38, 1-based): chrX:153,691,988, A>C. VCF-style: chrX-153691988-A-C. GRCh37 (hg19) VCF-style: chrX-152957443-A-C.
Other names: c.658A>C, p.Arg220= (NM_001142805.2); c.313A>C, p.Arg105= (NM_001142806.1).
Identifiers: ClinVar variation 4873863 (VCV004873863.2).

ClinVar aggregate classification (germline): Likely benign (1 of 4 stars; one submission).

Submission:

CeGaT Center for Human Genetics Tuebingen
Classification: Likely benign. Last evaluated: 2026-05-01. Review status: criteria provided, single submitter. Criteria: CeGaT Center For Human Genetics Tuebingen Variant Classification Criteria Version 2. Collection method: clinical testing. Allele origin: germline. Affected: yes. Observed: 1 variant allele.
Comment: SLC6A8: PM2:Supporting, BP4, BP7